The following is an entry in ClinVar:

NM_032119.4(ADGRV1):c.9624-80del

Gene: ADGRV1 (adhesion G protein-coupled receptor V1; plus strand). Cytogenetic location: 5q14.3.
Variant type: Deletion.
Coding change: c.9624-80del on transcript NM_032119.4 (MANE Select); 80 bases into the intron before coding-DNA position 9624, one base deleted (A; older notation c.9624-80delA).
Molecular consequence: intron variant.
Genome position (GRCh38, 1-based): chr5:90,720,855, A deleted. VCF-style (leftmost placement, unchanged base first): chr5-90720854-TA-T. GRCh37 (hg19) VCF-style: chr5-90016671-TA-T.
Identifiers: ClinVar variation 676780 (VCV000676780.1), dbSNP rs373576966, ClinGen allele CA122808092.

ClinVar aggregate classification (germline): Likely benign (1 of 4 stars; one submission).

Allele frequency attached by ClinVar (database versions not stated): gnomAD exomes 0.00303; 1000 Genomes Project 0.01078; 1000 Genomes Project 30x 0.01109; gnomAD 0.01320 and 0.01420.

Submission:

GeneDx
Classification: Likely benign. Last evaluated: 2018-06-13. Review status: criteria provided, single submitter. Criteria: GeneDx Variant Classification (06012015). Collection method: clinical testing. Allele origin: germline. Affected: yes.
Comment: This variant is considered likely benign or benign based on one or more of the following criteria: it is a conservative change, it occurs at a poorly conserved position in the protein, it is predicted to be benign by multiple in silico algorithms, and/or has population frequency not consistent with disease.